The following is an entry in ClinVar:

NM_001297595.2(SIN3B):c.2950C>T (p.Gln984Ter)

Gene: SIN3B (SIN3 transcription regulator family member B; plus strand). Cytogenetic location: 19p13.11.
Variant type: single nucleotide variant.
Coding change: c.2950C>T on transcript NM_001297595.2 (MANE Select); coding-DNA position 2950, C replaced by T.
Protein change: p.Gln984Ter; replaces glutamine 984 with a stop codon.
Molecular consequence: nonsense.
Genome position (GRCh38, 1-based): chr19:16,877,635, C>T. VCF-style: chr19-16877635-C-T. GRCh37 (hg19) VCF-style: chr19-16988446-C-T.
Other names: c.1720C>T, p.Gln574Ter (NM_001297597.2); c.3046C>T, p.Gln1016Ter (NM_015260.4); short protein forms Q1016*, Q574*, Q984*.
Identifiers: ClinVar variation 3776074 (VCV003776074.1).

ClinVar aggregate classification (germline): Likely pathogenic (1 of 4 stars; one submission).

Conditions:
SIN3B-related neurodevelopmental disorder.

Submission:

3billion
Classification: Likely pathogenic for SIN3B-related neurodevelopmental disorder. Last evaluated: 2023-11-10. Review status: criteria provided, single submitter. Criteria: ACMG Guidelines, 2015. Collection method: clinical testing. Allele origin: germline. Affected: yes.
Comment: The variant is not observed in the gnomAD v2.1.1 dataset. Predicted Consequence/Location: Stop-gained (nonsense): predicted to result in a loss or disruption of normal protein function through nonsense-mediated decay (NMD) or protein truncation. Multiple loss of function variants were reported in the PMID: 33811806. Therefore, this variant is classified as VUS according to the recommendation of ACMG/AMP guideline.